The following is an entry in ClinVar:

NM_000202.8(IDS):c.477dup (p.Pro160fs)

Genes: IDS (iduronate 2-sulfatase; minus strand), LOC106050102 (IDS recombination region; plus strand). Cytogenetic location: Xq28.
Variant type: Duplication.
Coding change: c.477dup on transcript NM_000202.8 (MANE Select); coding-DNA position 477, one base duplicated (T; older notation c.477dupT).
Protein change: p.Pro160fs; shifts the reading frame from proline 160.
Molecular consequence: frameshift variant. On other transcripts: non-coding transcript variant (1).
Genome position (GRCh38, 1-based): chrX:149,500,979, A duplicated on the plus strand (T on the coding strand, the reverse complement: IDS is on the minus strand). VCF-style (leftmost placement, unchanged base first): chrX-149500978-G-GA. GRCh37 (hg19) VCF-style: chrX-148582509-G-GA.
Other names: c.207dup, p.Pro70fs (NM_001166550.4); c.477dup, p.Pro160fs (NM_006123.5); short protein forms P160fs, P70fs.
Identifiers: ClinVar variation 3255749 (VCV003255749.2).

ClinVar aggregate classification (germline): Pathogenic (1 of 4 stars; one submission).

Conditions:
Mucopolysaccharidosis, MPS-II (MPS2). Also called: Hunter Syndrome; IDURONATE 2-SULFATASE DEFICIENCY; Mucopolysaccharidosis Type II; Mucopolysaccharidosis type 2; Attenuated MPS (subtype; formerly known as mild MPS II); Severe MPS II. Identifiers: Orphanet 580, Orphanet 79388, MedGen C0026705, MONDO:0010674, OMIM 309900.

Submission:

Laboratory of Diagnosis and Therapy of Lysosomal Disorders, University of Padova
Classification: Pathogenic for Mucopolysaccharidosis, MPS-II. Last evaluated: 2024-06-07. Review status: criteria provided, single submitter. Criteria: ACMG Guidelines, 2015. Collection method: literature only. Allele origin: germline. Affected: yes. Observed: 1 variant allele.
Comment: Null variant (PVS1_VeryStrong), Absent from controls (or at low frequency) in gnomAD database (PM2_Moderate), Patient’s phenotype or family history highly specific for the disease (PP4_Strong)

Classification method: ACMG Guidelines [PMID:25741868] with modifications

Literature cited by the submitters: PubMed 25681085.